The following is an entry in ClinVar:

NM_005902.4(SMAD3):c.386G>A (p.Arg129Lys)

Gene: SMAD3 (SMAD family member 3; plus strand). Cytogenetic location: 15q22.33.
Variant type: single nucleotide variant.
Coding change: c.386G>A on transcript NM_005902.4 (MANE Select); coding-DNA position 386, G replaced by A.
Protein change: p.Arg129Lys; replaces arginine 129 with lysine.
Molecular consequence: missense variant.
Genome position (GRCh38, 1-based): chr15:67,165,074, G>A. VCF-style: chr15-67165074-G-A. GRCh37 (hg19) VCF-style: chr15-67457412-G-A.
Other names: c.71G>A, p.Arg24Lys (NM_001145102.2, NM_001407015.1, NM_001407016.1); c.254G>A, p.Arg85Lys (NM_001145103.2); c.386G>A, p.Arg129Lys (NM_001407011.1, NM_001407012.1, NM_001407013.1); c.239G>A, p.Arg80Lys (NM_001407014.1); short protein forms R129K, R85K, R24K, R80K.
Identifiers: ClinVar variation 4635564 (VCV004635564.1).

ClinVar aggregate classification (germline): Uncertain significance (1 of 4 stars; one submission).

Conditions:
Familial thoracic aortic aneurysm and aortic dissection (TAAD). Also called: Thoracic aortic aneurysms and dissections. Identifiers: Orphanet 91387, MedGen C4707243, MONDO:0019625.

Submission:

Ambry Genetics
Classification: Uncertain significance for Familial thoracic aortic aneurysm and aortic dissection. Last evaluated: 2025-09-25. Review status: criteria provided, single submitter. Criteria: Ambry Variant Classification Scheme 2023. Collection method: clinical testing. Allele origin: germline.
Comment: The p.R129K variant (also known as c.386G>A), located in coding exon 2 of the SMAD3 gene, results from a G to A substitution at nucleotide position 386. The arginine at codon 129 is replaced by lysine, an amino acid with highly similar properties. This amino acid position is conserved. In addition, the in silico prediction for this alteration is inconclusive. Based on the available evidence, the clinical significance of this variant remains unclear.